The following is an entry in ClinVar:

NM_058216.3(RAD51C):c.606T>A (p.Asp202Glu)

Genes: RAD51C (RAD51 paralog C; plus strand), LOC129390903 (MPRA-validated peak2919 silencer; plus strand). Cytogenetic location: 17q22.
Variant type: single nucleotide variant.
Coding change: c.606T>A on transcript NM_058216.3 (MANE Select); coding-DNA position 606, T replaced by A.
Protein change: p.Asp202Glu; replaces aspartic acid 202 with glutamic acid.
Molecular consequence: missense variant. On other transcripts: non-coding transcript variant (1).
Genome position (GRCh38, 1-based): chr17:58,703,230, T>A. VCF-style: chr17-58703230-T-A. GRCh37 (hg19) VCF-style: chr17-56780591-T-A.
Other names: short protein forms D202E.
Identifiers: ClinVar variation 921191 (VCV000921191.15), dbSNP rs2048270218, ClinGen allele CA400349275.
Genomic context (GRCh38, chr17:58,703,230, plus strand): 5'-TAATTAAGAGTGTTTTGTTGTTTCAGAACACCGAAAAGCTTTGGAGGATTTCACTCTTGA[T>A]AATATTCTTTCTCATATTTATTATTTTCGCTGTCGTGACTACACAGAGTTACTGGCACAA-3'
Protein context (NP_478123.1, residues 192-212): HRKALEDFTL[Asp202Glu]NILSHIYYFR

ClinVar aggregate classification (germline): Conflicting classifications of pathogenicity. Review status: criteria provided, conflicting classifications (1 of 4 stars). 3 submissions from 3 submitters: Uncertain significance (2); Likely benign (1). Last evaluated 2024-10-16.

Conditions:
Hereditary cancer-predisposing syndrome. Also called: Hereditary Cancer Syndrome; Hereditary neoplastic syndrome; Neoplastic Syndromes, Hereditary; Tumor predisposition. Identifiers: Orphanet 140162, MedGen C0027672, MeSH D009386, MONDO:0015356.
Fanconi anemia complementation group O. Also called: RAD51C-Related Fanconi Anemia. Identifiers: Orphanet 84, MedGen C3150653, MONDO:0013248, OMIM 613390.

Submissions (3):

Labcorp Genetics (formerly Invitae), Labcorp
Classification: Uncertain significance for Fanconi anemia complementation group O. Last evaluated: 2024-10-16. Review status: criteria provided, single submitter. Criteria: Invitae Variant Classification Sherloc (09022015). Collection method: clinical testing. Allele origin: germline.
Comment: This sequence change replaces aspartic acid, which is acidic and polar, with glutamic acid, which is acidic and polar, at codon 202 of the RAD51C protein (p.Asp202Glu). This variant is not present in population databases (gnomAD no frequency). This variant has not been reported in the literature in individuals affected with RAD51C-related conditions. ClinVar contains an entry for this variant (Variation ID: 921191). Invitae Evidence Modeling of protein sequence and biophysical properties (such as structural, functional, and spatial information, amino acid conservation, physicochemical variation, residue mobility, and thermodynamic stability) indicates that this missense variant is not expected to disrupt RAD51C protein function with a negative predictive value of 80%. In summary, the available evidence is currently insufficient to determine the role of this variant in disease. Therefore, it has been classified as a Variant of Uncertain Significance.

Color Diagnostics, LLC DBA Color Health
Classification: Uncertain significance for Hereditary cancer-predisposing syndrome. Last evaluated: 2023-12-05. Review status: criteria provided, single submitter. Criteria: ACMG Guidelines, 2015. Collection method: clinical testing. Allele origin: germline.
Comment: This missense variant replaces aspartic acid with glutamic acid at codon 202 of the RAD51C protein. Computational prediction suggests that this variant may not impact protein structure and function (internally defined REVEL score threshold <= 0.5, PMID: 27666373). To our knowledge, functional studies have not been reported for this variant. This variant has not been reported in individuals affected with RAD51C-related disorders in the literature. This variant has not been identified in the general population by the Genome Aggregation Database (gnomAD). The available evidence is insufficient to determine the role of this variant in disease conclusively. Therefore, this variant is classified as a Variant of Uncertain Significance.

Ambry Genetics
Classification: Likely benign for Hereditary cancer-predisposing syndrome. Last evaluated: 2022-04-30. Review status: criteria provided, single submitter. Criteria: Ambry Variant Classification Scheme 2023. Collection method: clinical testing. Allele origin: germline.